The following is an entry in ClinVar:

NM_005045.4(RELN):c.8226A>G (p.Ala2742=)

Genes: RELN (reelin; minus strand), SLC26A5-AS1 (SLC26A5 antisense RNA 1; plus strand). Cytogenetic location: 7q22.1.
Variant type: single nucleotide variant.
Coding change: c.8226A>G on transcript NM_005045.4 (MANE Select); coding-DNA position 8226, A replaced by G.
Protein change: p.Ala2742=; no amino-acid change (alanine 2742 retained).
Molecular consequence: synonymous variant.
Genome position (GRCh38, 1-based): chr7:103,510,899, T>C on the plus strand (A>G on the coding strand, the complement: RELN is on the minus strand). VCF-style: chr7-103510899-T-C. GRCh37 (hg19) VCF-style: chr7-103151346-T-C.
Other names: c.8226A>G, p.Ala2742= (NM_173054.3).
Identifiers: ClinVar variation 3905797 (VCV003905797.10).
Genomic context (GRCh38, chr7:103,510,899, plus strand): 5'-ATAACATTTCACCTTGAATTGCATAATCCAGCCTTCAGTGGGAGTCAGGTCATGGGTCAC[T>C]GCATACACCTCCCGTCCATCATGACTGCCACAGAGCATCACACCATCAGGGGAGTCACAG-3'
Protein context (NP_005036.2, residues 2732-2752): CGSHDGREVY[Ala2742=]VTHDLTPTEG

ClinVar aggregate classification (germline): Likely benign (1 of 4 stars; one submission).

Submission:

CeGaT Center for Human Genetics Tuebingen
Classification: Likely benign. Last evaluated: 2025-05-01. Review status: criteria provided, single submitter. Criteria: CeGaT Center For Human Genetics Tuebingen Variant Classification Criteria Version 2. Collection method: clinical testing. Allele origin: germline. Affected: yes. Observed: 1 variant allele.
Comment: RELN: PM2:Supporting, BP4, BP7